The following is an entry in ClinVar:

NM_001370259.2(MEN1):c.208G>T (p.Asp70Tyr)

Gene: MEN1 (menin 1; minus strand). Cytogenetic location: 11q13.1.
Variant type: single nucleotide variant.
Coding change: c.208G>T on transcript NM_001370259.2 (MANE Select); coding-DNA position 208, G replaced by T.
Protein change: p.Asp70Tyr; replaces aspartic acid 70 with tyrosine.
Molecular consequence: missense variant.
Genome position (GRCh38, 1-based): chr11:64,809,902, C>A on the plus strand (G>T on the coding strand, the complement: MEN1 is on the minus strand). VCF-style: chr11-64809902-C-A. GRCh37 (hg19) VCF-style: chr11-64577374-C-A.
Other names: c.208G>T, p.Asp70Tyr (NM_000244.4, NM_001370251.2, NM_001370260.2 and 9 more transcripts); short protein forms D70Y.
Identifiers: ClinVar variation 639530 (VCV000639530.11), dbSNP rs1283021293, ClinGen allele CA381187644.

ClinVar aggregate classification (germline): Uncertain significance. Review status: criteria provided, multiple submitters, no conflicts (2 of 4 stars). 2 submissions from 2 submitters: Uncertain significance (2). Last evaluated 2024-02-25.

Conditions:
Multiple endocrine neoplasia, type 1 (MEN1). Also called: MEN I; MEA I; WERMER SYNDROME; Endocrine adenomatosis multiple; MEN 1. Identifiers: Orphanet 652, MedGen C0025267, MeSH D018761, MONDO:0007540, OMIM 131100.
Hereditary cancer-predisposing syndrome. Also called: Hereditary Cancer Syndrome; Neoplastic Syndromes, Hereditary; Tumor predisposition; Hereditary neoplastic syndrome. Identifiers: Orphanet 140162, MedGen C0027672, MeSH D009386, MONDO:0015356.

Submissions (2):

Ambry Genetics
Classification: Uncertain significance for Hereditary cancer-predisposing syndrome. Last evaluated: 2024-02-25. Review status: criteria provided, single submitter. Criteria: Ambry Variant Classification Scheme 2023. Collection method: clinical testing. Allele origin: germline.
Comment: The p.D70Y variant (also known as c.208G>T), located in coding exon 1 of the MEN1 gene, results from a G to T substitution at nucleotide position 208. The aspartic acid at codon 70 is replaced by tyrosine, an amino acid with highly dissimilar properties. This amino acid position is not well conserved in available vertebrate species. In addition, the in silico prediction for this alteration is inconclusive. Since supporting evidence is limited at this time, the clinical significance of this alteration remains unclear.

Labcorp Genetics (formerly Invitae), Labcorp
Classification: Uncertain significance for Multiple endocrine neoplasia, type 1. Last evaluated: 2023-06-13. Review status: criteria provided, single submitter. Criteria: Invitae Variant Classification Sherloc (09022015). Collection method: clinical testing. Allele origin: germline.
Comment: Advanced modeling of protein sequence and biophysical properties (such as structural, functional, and spatial information, amino acid conservation, physicochemical variation, residue mobility, and thermodynamic stability) performed at Invitae indicates that this missense variant is expected to disrupt MEN1 protein function. In summary, the available evidence is currently insufficient to determine the role of this variant in disease. Therefore, it has been classified as a Variant of Uncertain Significance. ClinVar contains an entry for this variant (Variation ID: 639530). This variant has not been reported in the literature in individuals affected with MEN1-related conditions. This variant is not present in population databases (gnomAD no frequency). This sequence change replaces aspartic acid, which is acidic and polar, with tyrosine, which is neutral and polar, at codon 70 of the MEN1 protein (p.Asp70Tyr).